The following is an entry in ClinVar:

NM_014141.6(CNTNAP2):c.3476-7C>T

Gene: CNTNAP2 (contactin associated protein 2; plus strand). Cytogenetic location: 7q36.1.
Variant type: single nucleotide variant.
Coding change: c.3476-7C>T on transcript NM_014141.6 (MANE Select); 7 bases into the intron before coding-DNA position 3476, C replaced by T.
Molecular consequence: intron variant.
Genome position (GRCh38, 1-based): chr7:148,383,642, C>T. VCF-style: chr7-148383642-C-T. GRCh37 (hg19) VCF-style: chr7-148080734-C-T.
Identifiers: ClinVar variation 379020 (VCV000379020.12), dbSNP rs1057520468, ClinGen allele CA16605068.

ClinVar aggregate classification (germline): Conflicting classifications of pathogenicity. Review status: criteria provided, conflicting classifications (1 of 4 stars). 3 submissions from 3 submitters: Uncertain significance (1); Likely benign (2). Last evaluated 2025-11-03.

Conditions:
Cortical dysplasia-focal epilepsy syndrome (PTHSL1). Also called: Pitt-Hopkins-like syndrome 1. Identifiers: Orphanet 163681, Orphanet 221150, MedGen C2750246, MONDO:0012400, OMIM 610042.

Allele frequency attached by ClinVar (database versions not stated): gnomAD 0.00001; gnomAD exomes 0.00001.
gnomAD v4.1: 13 of 1,613,816 alleles (0.00081%); highest among the groups gnomAD compares: Admixed American, 0.022%; no homozygotes.

Submissions (3):

Labcorp Genetics (formerly Invitae), Labcorp
Classification: Likely benign for Cortical dysplasia-focal epilepsy syndrome. Last evaluated: 2025-11-03. Review status: criteria provided, single submitter. Criteria: Invitae Variant Classification Sherloc (09022015). Collection method: clinical testing. Allele origin: germline.

Revvity Omics, Revvity
Classification: Uncertain significance for Cortical dysplasia-focal epilepsy syndrome. Last evaluated: 2022-07-21. Review status: criteria provided, single submitter. Criteria: ACMG Guidelines, 2015. Collection method: clinical testing. Allele origin: germline.

GeneDx
Classification: Likely benign. Last evaluated: 2016-09-06. Review status: criteria provided, single submitter. Criteria: GeneDx Variant Classification (06012015). Collection method: clinical testing. Allele origin: germline. Affected: yes.
Comment: This variant is considered likely benign or benign based on one or more of the following criteria: it is a conservative change, it occurs at a poorly conserved position in the protein, it is predicted to be benign by multiple in silico algorithms, and/or has population frequency not consistent with disease.